The following is an entry in ClinVar:

ClinVar aggregate classification (germline): Uncertain significance (1 of 4 stars; one submission).

gnomAD v4.1: 7 of 1,578,786 alleles (0.00044%); highest among the groups gnomAD compares: Non-Finnish European, 0.0006%; no homozygotes.

Submission:

Ambry Genetics
Classification: Uncertain significance. Last evaluated: 2024-11-26. Review status: criteria provided, single submitter. Criteria: Ambry Variant Classification Scheme 2023. Collection method: clinical testing. Allele origin: germline.
Comment: The p.A1634V variant (also known as c.4901C>T), located in coding exon 20 of the WNK2 gene, results from a C to T substitution at nucleotide position 4901. The alanine at codon 1634 is replaced by valine, an amino acid with similar properties. This amino acid position is conserved. In addition, this alteration is predicted to be tolerated by in silico analysis. Based on the available evidence, the clinical significance of this variant remains unclear.

NM_006648.4(WNK2):c.4901C>T (p.Ala1634Val)

Gene: WNK2 (WNK lysine deficient protein kinase 2; plus strand). Cytogenetic location: 9q22.31.
Variant type: single nucleotide variant.
Coding change: c.4901C>T on transcript NM_006648.4 (MANE Select); coding-DNA position 4901, C replaced by T.
Protein change: p.Ala1634Val; replaces alanine 1634 with valine.
Molecular consequence: missense variant.
Genome position (GRCh38, 1-based): chr9:93,290,012, C>T. VCF-style: chr9-93290012-C-T. GRCh37 (hg19) VCF-style: chr9-96052294-C-T.
Other names: c.5012C>T, p.Ala1671Val (NM_001282394.3); short protein forms A1634V, A1671V.
Identifiers: ClinVar variation 3470454 (VCV003470454.1).
Genomic context (GRCh38, chr9:93,290,012, plus strand): 5'-TTCTCTTTTTGTGTTTCTTTCTCCAGGTGGAGAAGTCAGAACTGGCCCCCACTCGAGGGG[C>T]CGTGATGGAGCAGGGCACGTCCTCGTCAATGACAGGTAACAGCTTCCTGCTGAACCCTGC-3'
Protein context (NP_006639.3, residues 1624-1644): EKSELAPTRG[Ala1634Val]VMEQGTSSSM